The following is an entry in ClinVar:

ClinVar aggregate classification (germline): Benign/Likely benign. Review status: criteria provided, multiple submitters, no conflicts (2 of 4 stars). 5 submissions from 4 submitters: Benign (4); Likely benign (1). Last evaluated 2018-09-04.

Conditions:
Maturity-onset diabetes of the young type 1. Also called: MILD JUVENILE DIABETES MELLITUS; MODY, type I; MODY type 1; Diabetes mellitus MODY type 1; MODY HNF4A related; HNF4A-Related Maturity-Onset Diabetes of the Young Type 1. Identifiers: Orphanet 552, MedGen C1852093, MONDO:0007452, OMIM 125850. Disease mechanism: loss of function.
Maturity-onset diabetes of the young (MODY). Also called: Maturity onset diabetes mellitus in young. Identifiers: Orphanet 552, MedGen C0342276, MONDO:0018911, HP:0004904.
Familial hyperinsulinism. Also called: Congenital hyperinsulinism. Identifiers: Orphanet 276525, MedGen C3888018, MONDO:0017182. Disease mechanism: loss of function.

Allele frequency attached by ClinVar (database versions not stated): gnomAD exomes 0.00459; gnomAD 0.03789 and 0.04068; 1000 Genomes Project 0.03974; TOPMed 0.04204; 1000 Genomes Project 30x 0.04325.
gnomAD v4.1: 7,648 of 548,760 alleles (1.4%); highest among the groups gnomAD compares: African/African-American, 13%; 476 homozygotes.

Submissions (5):

GeneDx
Classification: Benign. Last evaluated: 2018-09-04. Review status: criteria provided, single submitter. Criteria: GeneDx Variant Classification Process June 2021. Collection method: clinical testing. Allele origin: germline. Affected: yes.

Illumina Laboratory Services, Illumina
Classification: Benign for Maturity-onset diabetes of the young type 1. Last evaluated: 2018-01-12. Review status: criteria provided, single submitter. Criteria: ICSL Variant Classification Criteria 13 December 2019. Collection method: clinical testing. Allele origin: germline.
Comment: This variant was observed in the ICSL laboratory as part of a predisposition screen in an ostensibly healthy population. It had not been previously curated by ICSL or reported in the Human Gene Mutation Database (HGMD: prior to June 1st, 2018), and was therefore a candidate for classification through an automated scoring system. Utilizing variant allele frequency, disease prevalence and penetrance estimates, and inheritance mode, an automated score was calculated to assess if this variant is too frequent to cause the disease. Based on the score and internal cut-off values, a variant classified as benign is not then subjected to further curation. The score for this variant resulted in a classification of benign for this disease.

Illumina Laboratory Services, Illumina
Classification: Benign for Familial hyperinsulinism. Last evaluated: 2018-01-12. Review status: criteria provided, single submitter. Criteria: ICSL Variant Classification Criteria 13 December 2019. Collection method: clinical testing. Allele origin: germline.
Comment: the same text as in the submission from Illumina Laboratory Services, Illumina above.

Breakthrough Genomics
Classification: Benign. Review status: criteria provided, single submitter. Criteria: ACMG Guidelines, 2015. Collection method: not provided. Allele origin: germline. Inheritance: Autosomal dominant inheritance. Affected: yes.

Clinical Genomics, Uppaluri K&H Personalized Medicine Clinic
Classification: Likely benign for Maturity-onset diabetes of the young. Review status: criteria provided, single submitter. Criteria: K & H Uppaluri Personalized Medicine Clinic Variant Classification & Assertion Criteria_Updated V.1. Collection method: research. Allele origin: unknown. Inheritance: Autosomal dominant inheritance.
Comment: Potent mutations in HNF4A are associated with poor insulin secretion in response to hyperglycemia. Associated with MODY1. Patients initially respond well to sulfonylureas but eventually become insulin dependent. However, more evidence is required to ascertain the role of this particular variant rs41282030 in MODY, yet.

Literature cited by the submitters: PubMed 18268044 (cited by Clinical Genomics, Uppaluri K&H Personalized Medicine Clinic); PubMed 17563455 (cited by Clinical Genomics, Uppaluri K&H Personalized Medicine Clinic); PubMed 32583173 (cited by Clinical Genomics, Uppaluri K&H Personalized Medicine Clinic); PubMed 35052457 (cited by Clinical Genomics, Uppaluri K&H Personalized Medicine Clinic); PubMed 35118593 (cited by Clinical Genomics, Uppaluri K&H Personalized Medicine Clinic); DOI 10.1159/000334532 (cited by Clinical Genomics, Uppaluri K&H Personalized Medicine Clinic).

NM_175914.5(HNF4A):c.*242T>C

Gene: HNF4A (hepatocyte nuclear factor 4 alpha; plus strand). Cytogenetic location: 20q13.12.
Variant type: single nucleotide variant.
Coding change: c.*242T>C on transcript NM_175914.5 (MANE Select); 242 bases downstream of the stop codon, T replaced by C.
Molecular consequence: 3 prime UTR variant.
Genome position (GRCh38, 1-based): chr20:44,429,907, T>C. VCF-style: chr20-44429907-T-C. GRCh37 (hg19) VCF-style: chr20-43058547-T-C.
Other names: c.*242T>C (NM_000457.6, NM_001030003.3, NM_001258355.2 and 3 more transcripts).
Identifiers: ClinVar variation 338436 (VCV000338436.9), dbSNP rs41282030, ClinGen allele CA10653118.
Genomic context (GRCh38, chr20:44,429,907, plus strand): 5'-CCTGCTCTGGATAACAAGACTTTGACTTGGGGAGACCTCTACTGCCTTGGACAACTTTTC[T>C]CATGTTGAAGCCACTGCCTTCACCTTCACCTTCATCCATGTCCAACCCCCGACTTCATCC-3'